The following is an entry in ClinVar:

NM_000166.6(GJB1):c.566T>C (p.Val189Ala)

Gene: GJB1 (gap junction protein beta 1; plus strand). Cytogenetic location: Xq13.1.
Variant type: single nucleotide variant.
Coding change: c.566T>C on transcript NM_000166.6 (MANE Select); coding-DNA position 566, T replaced by C.
Protein change: p.Val189Ala; replaces valine 189 with alanine.
Molecular consequence: missense variant.
Genome position (GRCh38, 1-based): chrX:71,224,273, T>C. VCF-style: chrX-71224273-T-C. GRCh37 (hg19) VCF-style: chrX-70444123-T-C.
Other names: c.566T>C, p.Val189Ala (NM_001097642.3); short protein forms V189A.
Identifiers: ClinVar variation 2829786 (VCV002829786.3), dbSNP rs1064794244, ClinGen allele CA413503192.
Genomic context (GRCh38, chrX:71,224,273, plus strand): 5'-ACGTCTACCCCTGCCCCAACACAGTGGACTGCTTCGTGTCCCGCCCCACCGAGAAAACCG[T>C]CTTCACCGTCTTCATGCTAGCTGCCTCTGGCATCTGCATCATCCTCAATGTGGCCGAGGT-3'
Protein context (NP_000157.1, residues 179-199): CFVSRPTEKT[Val189Ala]FTVFMLAASG

ClinVar aggregate classification (germline): Uncertain significance (1 of 4 stars; one submission).

Conditions:
Charcot-Marie-Tooth Neuropathy X. Identifiers: MedGen CN118851.

Submission:

Labcorp Genetics (formerly Invitae), Labcorp
Classification: Uncertain significance for Charcot-Marie-Tooth Neuropathy X. Last evaluated: 2023-01-23. Review status: criteria provided, single submitter. Criteria: Invitae Variant Classification Sherloc (09022015). Collection method: clinical testing. Allele origin: germline.
Comment: In summary, the available evidence is currently insufficient to determine the role of this variant in disease. Therefore, it has been classified as a Variant of Uncertain Significance. Algorithms developed to predict the effect of missense changes on protein structure and function (SIFT, PolyPhen-2, Align-GVGD) all suggest that this variant is likely to be disruptive. This variant has not been reported in the literature in individuals affected with GJB1-related conditions. This variant is not present in population databases (gnomAD no frequency). This sequence change replaces valine, which is neutral and non-polar, with alanine, which is neutral and non-polar, at codon 189 of the GJB1 protein (p.Val189Ala).